The following is an entry in ClinVar:

NM_032043.3(BRIP1):c.3701T>G (p.Phe1234Cys)

Gene: BRIP1 (BRCA1 interacting DNA helicase 1; minus strand). Cytogenetic location: 17q23.2.
Variant type: single nucleotide variant.
Coding change: c.3701T>G on transcript NM_032043.3 (MANE Select); coding-DNA position 3701, T replaced by G.
Protein change: p.Phe1234Cys; replaces phenylalanine 1234 with cysteine.
Molecular consequence: missense variant.
Genome position (GRCh38, 1-based): chr17:61,683,345, A>C on the plus strand (T>G on the coding strand, the complement: BRIP1 is on the minus strand). VCF-style: chr17-61683345-A-C. GRCh37 (hg19) VCF-style: chr17-59760706-A-C.
Other names: short protein forms F1234C.
Identifiers: ClinVar variation 133759 (VCV000133759.23), dbSNP rs587778137, ClinGen allele CA157713.
Genomic context (GRCh38, chr17:61,683,345, plus strand): 5'-GTTAAGTATTATTACTTAAAACCAGGAAACATGCCTTTATTTTTGGAAGGAGATGGTTTA[A>C]AGTTCTTTATTTCTATTTCATGAGTTTTTCCCAGTTCCAGTTCATTTATCCAAGTTGTTT-3'
Protein context (NP_114432.2, residues 1224-1244): GKTHEIEIKN[Phe1234Cys]KPSPSKNKGM

ClinVar aggregate classification (germline): Uncertain significance. Review status: criteria provided, multiple submitters, no conflicts (2 of 4 stars). 7 submissions from 7 submitters: Uncertain significance (6). 1 of the submissions does not count toward it. Last evaluated 2025-08-24.

Conditions:
Familial ovarian cancer. Identifiers: MedGen C5679802, MONDO:0016248.
Familial cancer of breast. Also called: BREAST CANCER, FAMILIAL; Hereditary breast cancer; hereditary breast carcinoma. Identifiers: Orphanet 227535, MedGen C0346153, MONDO:0016419, OMIM 114480. Disease mechanism: loss of function.
Fanconi anemia complementation group J. Also called: BRIP1-Related Fanconi Anemia. Identifiers: Orphanet 84, MedGen C1836860, MONDO:0012187, OMIM 609054.
Hereditary cancer-predisposing syndrome. Also called: Tumor predisposition; Hereditary neoplastic syndrome; Neoplastic Syndromes, Hereditary; Hereditary Cancer Syndrome. Identifiers: Orphanet 140162, MedGen C0027672, MeSH D009386, MONDO:0015356.

Allele frequency attached by ClinVar (database versions not stated): gnomAD exomes 0.00001; TOPMed 0.00002.
gnomAD v4.1: 10 of 1,611,638 alleles (0.00062%); highest among the groups gnomAD compares: Non-Finnish European, 0.00076%; no homozygotes.

Submissions (7):

Labcorp Genetics (formerly Invitae), Labcorp
Classification: Uncertain significance for Familial cancer of breast; Fanconi anemia complementation group J. Last evaluated: 2025-08-24. Review status: criteria provided, single submitter. Criteria: Invitae Variant Classification Sherloc (09022015). Collection method: clinical testing. Allele origin: germline.
Comment: This sequence change replaces phenylalanine, which is neutral and non-polar, with cysteine, which is neutral and slightly polar, at codon 1234 of the BRIP1 protein (p.Phe1234Cys). This variant is not present in population databases (gnomAD no frequency). This variant has not been reported in the literature in individuals affected with BRIP1-related conditions. ClinVar contains an entry for this variant (Variation ID: 133759). Invitae Evidence Modeling of protein sequence and biophysical properties (such as structural, functional, and spatial information, amino acid conservation, physicochemical variation, residue mobility, and thermodynamic stability) indicates that this missense variant is not expected to disrupt BRIP1 protein function with a negative predictive value of 95%. In summary, the available evidence is currently insufficient to determine the role of this variant in disease. Therefore, it has been classified as a Variant of Uncertain Significance.

Ambry Genetics
Classification: Uncertain significance for Hereditary cancer-predisposing syndrome. Last evaluated: 2025-06-19. Review status: criteria provided, single submitter. Criteria: Ambry Variant Classification Scheme 2023. Collection method: clinical testing. Allele origin: germline.
Comment: The p.F1234C variant (also known as c.3701T>G), located in coding exon 19 of the BRIP1 gene, results from a T to G substitution at nucleotide position 3701. The phenylalanine at codon 1234 is replaced by cysteine, an amino acid with highly dissimilar properties. This variant was identified in a cohort of 681 ancestrally diverse, healthy subjects (Bodian DL et al. PLoS One, 2014 Apr;9:e94554). This variant was also reported in 1/60,466 breast cancer cases and in 0/53,461 controls (Dorling et al. N Engl J Med. 2021 02;384:428-439). This amino acid position is not well conserved in available vertebrate species. In addition, this alteration is predicted to be tolerated by in silico analysis. Since supporting evidence is limited at this time, the clinical significance of this alteration remains unclear.

Molecular Pathology, Peter Maccallum Cancer Centre
Classification: Uncertain significance for Familial ovarian cancer. Last evaluated: 2025-03-31. Review status: criteria provided, single submitter. Criteria: ACMG Guidelines, 2015. Collection method: clinical testing. Allele origin: germline. Inheritance: Autosomal dominant inheritance.

Color Diagnostics, LLC DBA Color Health
Classification: Uncertain significance for Hereditary cancer-predisposing syndrome. Last evaluated: 2025-01-07. Review status: criteria provided, single submitter. Criteria: ACMG Guidelines, 2015. Collection method: clinical testing. Allele origin: germline.
Comment: This missense variant replaces phenylalanine with cysteine at codon 1234 of the BRIP1 protein. Computational prediction suggests that this variant may not impact protein structure and function. To our knowledge, functional studies have not been reported for this variant. In an international breast cancer case-control meta-analysis, this variant was detected in 1/60466 cases and absent in 53461 unaffected controls (PMID: 33471991). This variant has not been identified in the general population by the Genome Aggregation Database (gnomAD). The available evidence is insufficient to determine the role of this variant in disease conclusively. Therefore, this variant is classified as a Variant of Uncertain Significance.

Baylor Genetics
Classification: Uncertain significance for Familial cancer of breast. Last evaluated: 2023-06-15. Review status: criteria provided, single submitter. Criteria: ACMG Guidelines, 2015. Collection method: clinical testing. Allele origin: unknown.

GeneDx
Classification: Uncertain significance. Last evaluated: 2016-01-22. Review status: criteria provided, single submitter. Criteria: GeneDx Variant Classification (06012015). Collection method: clinical testing. Allele origin: germline. Affected: yes.
Comment: This variant is denoted BRIP1 c.3701T>G at the cDNA level, p.Phe1234Cys (F1234C) at the protein level, and results in the change of a Phenylalanine to a Cysteine (TTT>TGT). BRIP1 Phe1234Cys was also identified in 1/331 healthy European individuals undergoing whole genome sequencing (Bodian 2014). BRIP1 Phe1234Cys was not observed in approximately 6,500 individuals of European and African American ancestry in the NHLBI Exome Sequencing Project, suggesting it is not a common benign variant in these populations. Since Phenylalanine and Cysteine differ in polarity, charge, size or other properties, this is considered a non-conservative amino acid substitution. BRIP1 Phe1234Cys occurs at a position that is not conserved and is not located in a known functional domain (Cantor 2011). In silico analyses are inconsistent regarding the effect this variant may have on protein structure and function. Based on currently available evidence, it is unclear whether BRIP1 Phe1234Cys is a pathogenic or benign variant. We consider it to be a variant of uncertain significance.

ITMI
No classification provided. Condition: AllHighlyPenetrant. Last evaluated: 2013-09-19. Review status: no classification provided. Collection method: reference population. Allele origin: germline. Not counted in ClinVar's aggregate classification.
Comment: Please see associated publication for description of ethnicities

Literature cited by the submitters: PubMed 24728327 (cited by Ambry Genetics and ITMI); PubMed 33471991 (cited by Ambry Genetics and Color Diagnostics, LLC DBA Color Health).